The following is an entry in ClinVar:

NM_001943.5(DSG2):c.2877G>C (p.Gln959His)

Genes: DSG2-AS1 (DSG2 antisense RNA 1; minus strand), DSG2 (desmoglein 2; plus strand). Cytogenetic location: 18q12.1.
Variant type: single nucleotide variant.
Coding change: c.2877G>C on transcript NM_001943.5 (MANE Select); coding-DNA position 2877, G replaced by C.
Protein change: p.Gln959His; replaces glutamine 959 with histidine.
Molecular consequence: missense variant.
Genome position (GRCh38, 1-based): chr18:31,546,263, G>C. VCF-style: chr18-31546263-G-C. GRCh37 (hg19) VCF-style: chr18-29126226-G-C.
Other names: short protein forms Q959H.
Identifiers: ClinVar variation 2775244 (VCV002775244.2), dbSNP rs2510922521, ClinGen allele CA402147209.

ClinVar aggregate classification (germline): Uncertain significance (1 of 4 stars; one submission).

Conditions:
Cardiomyopathy (CMYO). Also called: Cardiomyopathies. Identifiers: Orphanet 167848, MedGen C0878544, MONDO:0004994, HP:0001638. Inheritance: Various modes of inheritance.

Submission:

Color Diagnostics, LLC DBA Color Health
Classification: Uncertain significance for Cardiomyopathy. Last evaluated: 2023-06-13. Review status: criteria provided, single submitter. Criteria: ACMG Guidelines, 2015. Collection method: clinical testing. Allele origin: germline.
Comment: This missense variant replaces glutamine with histidine at codon 959 of the DSG2 protein. Computational prediction suggests that this variant may not impact protein structure and function (internally defined REVEL score threshold <= 0.5, PMID: 27666373). To our knowledge, functional studies have not been reported for this variant. This variant has not been reported in individuals affected with DSG2-related disorders in the literature. This variant has not been identified in the general population by the Genome Aggregation Database (gnomAD). The available evidence is insufficient to determine the role of this variant in disease conclusively. Therefore, this variant is classified as a Variant of Uncertain Significance.